The following is an entry in ClinVar:

NM_004006.3(DMD):c.5197_5201del (p.Ser1733fs)

Gene: DMD (dystrophin; minus strand). Cytogenetic location: Xp21.1.
Variant type: Deletion.
Coding change: c.5197_5201del on transcript NM_004006.3 (MANE Select); coding-DNA positions 5197 to 5201, 5 bases deleted (TCTAC; older notation c.5197_5201delTCTAC).
Protein change: p.Ser1733fs; shifts the reading frame from serine 1733.
Molecular consequence: frameshift variant.
Genome position (GRCh38, 1-based): chrX:32,362,912-32,362,916, GTAGA deleted on the plus strand (TCTAC on the coding strand, the reverse complement: DMD is on the minus strand); deleting any 5 consecutive bases within chrX:32,362,912-32,362,918 gives the same sequence; the c. name uses the placement nearest the transcript's 3' end. VCF-style (leftmost placement, unchanged base first): chrX-32362911-TGTAGA-T. GRCh37 (hg19) VCF-style: chrX-32381028-TGTAGA-T.
Other names: c.5173_5177del, p.Ser1725fs (NM_000109.4); c.5185_5189del, p.Ser1729fs (NM_004009.3); c.4828_4832del, p.Ser1610fs (NM_004010.3); c.1174_1178del, p.Ser392fs (NM_004011.4); c.1165_1169del, p.Ser389fs (NM_004012.4); short protein forms S1729fs, S1725fs, S392fs, S1610fs, S1733fs, S389fs.
Identifiers: ClinVar variation 4734374 (VCV004734374.1).

ClinVar aggregate classification (germline): Pathogenic (1 of 4 stars; one submission).

Conditions:
Duchenne muscular dystrophy (DMD). Also called: MUSCULAR DYSTROPHY, PSEUDOHYPERTROPHIC PROGRESSIVE, DUCHENNE TYPE; Duchenne Muscular Dystrophy (DMD). Identifiers: Orphanet 98896, MedGen C0013264, MONDO:0010679, OMIM 310200.

Submission:

Labcorp Genetics (formerly Invitae), Labcorp
Classification: Pathogenic for Duchenne muscular dystrophy. Last evaluated: 2025-12-29. Review status: criteria provided, single submitter. Criteria: Invitae Variant Classification Sherloc (09022015). Collection method: clinical testing. Allele origin: germline.
Comment: This sequence change creates a premature translational stop signal (p.Ser1733Thrfs*2) in the DMD gene. It is expected to result in an absent or disrupted protein product. Loss-of-function variants in DMD are known to be pathogenic (PMID: 16770791, 25007885). This variant is not present in population databases (gnomAD no frequency). This variant has not been reported in the literature in individuals affected with DMD-related conditions. Algorithms developed to predict the effect of sequence changes on RNA splicing suggest that this variant may disrupt the consensus splice site. For these reasons, this variant has been classified as Pathogenic.

Literature cited by the submitters: PubMed 16770791; PubMed 25007885.